The following is an entry in ClinVar:

ClinVar aggregate classification (germline): Likely benign (1 of 4 stars; one submission).

Allele frequency attached by ClinVar (database versions not stated): gnomAD 0.03309 and 0.03573; TOPMed 0.03372; 1000 Genomes Project 30x 0.05356; 1000 Genomes Project 0.05631.
gnomAD v4.1: 5,439 of 152,270 alleles (3.6%); highest among the groups gnomAD compares: East Asian, 11%; 141 homozygotes.

Submission:

GeneDx
Classification: Likely benign. Last evaluated: 2018-06-14. Review status: criteria provided, single submitter. Criteria: GeneDx Variant Classification (06012015). Collection method: clinical testing. Allele origin: germline. Affected: yes.
Comment: This variant is considered likely benign or benign based on one or more of the following criteria: it is a conservative change, it occurs at a poorly conserved position in the protein, it is predicted to be benign by multiple in silico algorithms, and/or has population frequency not consistent with disease.

NM_001083961.2(WDR62):c.1550+306G>A

Gene: WDR62 (WD repeat domain 62; plus strand). Cytogenetic location: 19q13.12.
Variant type: single nucleotide variant.
Coding change: c.1550+306G>A on transcript NM_001083961.2 (MANE Select); 306 bases into the intron after coding-DNA position 1550, G replaced by A.
Molecular consequence: intron variant.
Genome position (GRCh38, 1-based): chr19:36,083,547, G>A. VCF-style: chr19-36083547-G-A. GRCh37 (hg19) VCF-style: chr19-36574449-G-A.
Other names: c.1550+306G>A (NM_173636.5).
Identifiers: ClinVar variation 668983 (VCV000668983.1), dbSNP rs1016993, ClinGen allele CA14740116.